The following is an entry in ClinVar:

NM_006231.4(POLE):c.5924T>A (p.Leu1975Ter)

Gene: POLE (DNA polymerase epsilon, catalytic subunit; minus strand). Cytogenetic location: 12q24.33.
Variant type: single nucleotide variant.
Coding change: c.5924T>A on transcript NM_006231.4 (MANE Select); coding-DNA position 5924, T replaced by A.
Protein change: p.Leu1975Ter; replaces leucine 1975 with a stop codon.
Molecular consequence: nonsense.
Genome position (GRCh38, 1-based): chr12:132,634,266, A>T on the plus strand (T>A on the coding strand, the complement: POLE is on the minus strand). VCF-style: chr12-132634266-A-T. GRCh37 (hg19) VCF-style: chr12-133210852-A-T.
Other names: short protein forms L1975*.
Identifiers: ClinVar variation 1052824 (VCV001052824.10), dbSNP rs1295662769, ClinGen allele CA387371584.

ClinVar aggregate classification (germline): Pathogenic (1 of 4 stars; one submission).

Submission:

Labcorp Genetics (formerly Invitae), Labcorp
Classification: Pathogenic. Last evaluated: 2022-05-12. Review status: criteria provided, single submitter. Criteria: Invitae Variant Classification Sherloc (09022015). Collection method: clinical testing. Allele origin: germline.
Comment: For these reasons, this variant has been classified as Pathogenic. This sequence change creates a premature translational stop signal (p.Leu1975*) in the POLE gene. It is expected to result in an absent or disrupted protein product. Loss-of-function variants in POLE are known to be pathogenic (PMID: 23230001, 25948378, 30503519). This variant is not present in population databases (gnomAD no frequency). This variant has not been reported in the literature in individuals affected with POLE-related conditions. ClinVar contains an entry for this variant (Variation ID: 1052824).

Literature cited by the submitters: PubMed 23230001; PubMed 25948378; PubMed 30503519.